The following is an entry in ClinVar:

ClinVar aggregate classification (germline): Uncertain significance (1 of 4 stars; one submission).

Conditions:
Developmental and epileptic encephalopathy, 23 (DEE23). Also called: Epileptic encephalopathy, early infantile, 23. Identifiers: Orphanet 411986, MedGen C4014492, MONDO:0014371, OMIM 615859.

Submission:

Labcorp Genetics (formerly Invitae), Labcorp
Classification: Uncertain significance for Developmental and epileptic encephalopathy, 23. Last evaluated: 2022-06-13. Review status: criteria provided, single submitter. Criteria: Invitae Variant Classification Sherloc (09022015). Collection method: clinical testing. Allele origin: germline.
Comment: In summary, the available evidence is currently insufficient to determine the role of this variant in disease. Therefore, it has been classified as a Variant of Uncertain Significance. Algorithms developed to predict the effect of missense changes on protein structure and function (SIFT, PolyPhen-2, Align-GVGD) all suggest that this variant is likely to be disruptive. This variant has not been reported in the literature in individuals affected with DOCK7-related conditions. This variant is not present in population databases (gnomAD no frequency). This sequence change replaces valine, which is neutral and non-polar, with glycine, which is neutral and non-polar, at codon 1498 of the DOCK7 protein (p.Val1498Gly).

NM_001367561.1(DOCK7):c.4520T>G (p.Val1507Gly)

Gene: DOCK7 (dedicator of cytokinesis 7; minus strand). Cytogenetic location: 1p31.3.
Variant type: single nucleotide variant.
Coding change: c.4520T>G on transcript NM_001367561.1 (MANE Select); coding-DNA position 4520, T replaced by G.
Protein change: p.Val1507Gly; replaces valine 1507 with glycine.
Molecular consequence: missense variant.
Genome position (GRCh38, 1-based): chr1:62,505,773, A>C on the plus strand (T>G on the coding strand, the complement: DOCK7 is on the minus strand). VCF-style: chr1-62505773-A-C. GRCh37 (hg19) VCF-style: chr1-62971444-A-C.
Other names: c.4493T>G, p.Val1498Gly (NM_001271999.2, NM_001330614.2); c.4400T>G, p.Val1467Gly (NM_001272000.2, NM_001272001.2); c.4427T>G, p.Val1476Gly (NM_033407.4); short protein forms V1498G, V1507G, V1467G, V1476G.
Identifiers: ClinVar variation 2005336 (VCV002005336.4), dbSNP rs1646919448, ClinGen allele CA340619798.